The following is an entry in ClinVar:

NM_001008537.3(NEXMIF):c.2476A>G (p.Asn826Asp)

Gene: NEXMIF (neurite extension and migration factor; minus strand). Cytogenetic location: Xq13.3.
Variant type: single nucleotide variant.
Coding change: c.2476A>G on transcript NM_001008537.3 (MANE Select); coding-DNA position 2476, A replaced by G.
Protein change: p.Asn826Asp; replaces asparagine 826 with aspartic acid.
Molecular consequence: missense variant.
Genome position (GRCh38, 1-based): chrX:74,742,081, T>C on the plus strand (A>G on the coding strand, the complement: NEXMIF is on the minus strand). VCF-style: chrX-74742081-T-C. GRCh37 (hg19) VCF-style: chrX-73961916-T-C.
Other names: c.2476A>G (NM_001008537.2); short protein forms N826D.
Identifiers: ClinVar variation 2145055 (VCV002145055.5), dbSNP rs930264514, ClinGen allele CA331301751.
Genomic context (GRCh38, chrX:74,742,081, plus strand): 5'-TGAGGCTGCCTTCATTTTGCTCTGGAGAATGGTGGCTGAAGTATGAGATACTAGTGTTAT[T>C]TGACAAGTCAGAAGCATCTAACAATGTCTGCAGATACCCTCCCGGGATAACAGGTATATT-3'
Protein context (NP_001008537.1, residues 816-836): QTLLDASDLS[Asn826Asp]NTSISYFSHH

ClinVar aggregate classification (germline): Uncertain significance. Review status: criteria provided, multiple submitters, no conflicts (2 of 4 stars). 2 submissions from 2 submitters: Uncertain significance (2). Last evaluated 2022-08-23.

Allele frequency attached by ClinVar (database versions not stated): gnomAD exomes below 0.00001; TOPMed below 0.00001; gnomAD 0.00001.
gnomAD v4.1: 5 of 1,209,765 alleles (0.00041%); highest among the groups gnomAD compares: Non-Finnish European, 0.00045%; no homozygotes.

Submissions (2):

Labcorp Genetics (formerly Invitae), Labcorp
Classification: Uncertain significance. Last evaluated: 2022-08-23. Review status: criteria provided, single submitter. Criteria: Invitae Variant Classification Sherloc (09022015). Collection method: clinical testing. Allele origin: germline.
Comment: This sequence change replaces asparagine, which is neutral and polar, with aspartic acid, which is acidic and polar, at codon 826 of the NEXMIF protein (p.Asn826Asp). This variant is present in population databases (no rsID available, gnomAD 0.003%), including at least one homozygous and/or hemizygous individual. This variant has not been reported in the literature in individuals affected with NEXMIF-related conditions. Algorithms developed to predict the effect of missense changes on protein structure and function (SIFT, PolyPhen-2, Align-GVGD) all suggest that this variant is likely to be tolerated. Algorithms developed to predict the effect of sequence changes on RNA splicing suggest that this variant may create or strengthen a splice site. In summary, the available evidence is currently insufficient to determine the role of this variant in disease. Therefore, it has been classified as a Variant of Uncertain Significance.

Ambry Genetics
Classification: Uncertain significance. Last evaluated: 2022-04-25. Review status: criteria provided, single submitter. Criteria: Ambry Variant Classification Scheme 2023. Collection method: clinical testing. Allele origin: germline.